The following is an entry in ClinVar:

NM_003108.4(SOX11):c.747A>G (p.Glu249=)

Gene: SOX11 (SRY-box transcription factor 11; plus strand). Cytogenetic location: 2p25.2.
Variant type: single nucleotide variant.
Coding change: c.747A>G on transcript NM_003108.4 (MANE Select); coding-DNA position 747, A replaced by G.
Protein change: p.Glu249=; no amino-acid change (glutamic acid 249 retained).
Molecular consequence: synonymous variant.
Genome position (GRCh38, 1-based): chr2:5,693,468, A>G. VCF-style: chr2-5693468-A-G. GRCh37 (hg19) VCF-style: chr2-5833600-A-G.
Identifiers: ClinVar variation 3696951 (VCV003696951.2).

ClinVar aggregate classification (germline): Uncertain significance (1 of 4 stars; one submission).

gnomAD v4.1: 6 of 1,587,694 alleles (0.00038%); highest among the groups gnomAD compares: Non-Finnish European, 0.00051%; no homozygotes.

Submission:

Labcorp Genetics (formerly Invitae), Labcorp
Classification: Uncertain significance. Last evaluated: 2024-09-30. Review status: criteria provided, single submitter. Criteria: Invitae Variant Classification Sherloc (09022015). Collection method: clinical testing. Allele origin: germline.
Comment: This sequence change affects codon 249 of the SOX11 mRNA. It is a 'silent' change, meaning that it does not change the encoded amino acid sequence of the SOX11 protein. This variant is present in population databases (rs763184324, gnomAD 0.001%). This variant has not been reported in the literature in individuals affected with SOX11-related conditions. In summary, the available evidence is currently insufficient to determine the role of this variant in disease. Therefore, it has been classified as a Variant of Uncertain Significance.